The following is an entry in ClinVar:

ClinVar aggregate classification (germline): Pathogenic (1 of 4 stars; one submission).

Conditions:
Familial cancer of breast. Also called: hereditary breast carcinoma; Hereditary breast cancer; BREAST CANCER, FAMILIAL. Identifiers: Orphanet 227535, MedGen C0346153, MONDO:0016419, OMIM 114480. Disease mechanism: loss of function.

Submission:

Labcorp Genetics (formerly Invitae), Labcorp
Classification: Pathogenic for Familial cancer of breast. Last evaluated: 2021-08-09. Review status: criteria provided, single submitter. Criteria: Invitae Variant Classification Sherloc (09022015). Collection method: clinical testing. Allele origin: germline.
Comment: This variant is a gross deletion of the genomic region encompassing exon(s) 5-15 of the CHEK2 gene, which includes the termination codon. This deletion extends beyond the assayed region for this gene and therefore may encompass additional genes. While this deletion is not anticipated to lead to nonsense mediated decay, it is expected to alter mRNA translation or result in a truncated protein product. This variant has not been reported in the literature in individuals affected with CHEK2-related conditions. This variant disrupts the serine/threonine kinase domain of the CHEK2 protein, which is essential for protein function (PMID: 30264118, 31843900, 29785007). While functional studies have not been performed to directly test the effect of this variant on CHEK2 protein function, this suggests that disruption of this region of the protein is causative of disease. This variant disrupts a region of the CHEK2 protein in which other variant(s) (p.Ser516Leufs*50, p.Ser516Phefs*3) have been determined to be pathogenic (Invitae). This suggests that this is a clinically significant region of the protein, and that variants that disrupt it are likely to be disease-causing. For these reasons, this variant has been classified as Pathogenic.

Literature cited by the submitters: PubMed 30264118; PubMed 31843900; PubMed 29785007.

NC_000022.11:g.(?_28687887)_(28719495_?)del

Gene: CHEK2 (checkpoint kinase 2; minus strand). Cytogenetic location: 22q12.1.
Variant type: Deletion.
Identifiers: ClinVar variation 649067 (VCV000649067.7).